The following is an entry in ClinVar:

ClinVar aggregate classification (germline): Likely pathogenic (1 of 4 stars; one submission).

Conditions:
Argininosuccinate lyase deficiency. Also called: ARGININOSUCCINIC ACID LYASE DEFICIENCY; ASL DEFICIENCY; Argininosuccinic aciduria. Identifiers: Orphanet 23, MedGen C0268547, MONDO:0008815, OMIM 207900, HP:0025630.

Submission:

Natera, Inc.
Classification: Likely pathogenic for Argininosuccinate lyase deficiency. Last evaluated: 2025-12-29. Review status: criteria provided, single submitter. Criteria: Natera Variant Classification Schema (03/2026). Collection method: clinical testing. Allele origin: germline.
Comment: The c.56_57delCC variant in ASL is a frameshift variant predicted to shift the reading frame beginning at codon 19 and leads to a stop codon 53 codons downstream. This variant is expected to result in nonsense mediated decay, truncation, or a dysfunctional protein product. This variant is rare in the general population with a frequency below the threshold expected for the associated phenotype(s). Given the available evidence, this variant is classified as Likely Pathogenic.

NM_000048.4(ASL):c.56_57del (p.Pro19fs)

Gene: ASL (argininosuccinate lyase; plus strand). Cytogenetic location: 7q11.21.
Variant type: Deletion.
Coding change: c.56_57del on transcript NM_000048.4 (MANE Select); coding-DNA positions 56 to 57, 2 bases deleted (CC; older notation c.56_57delCC).
Protein change: p.Pro19fs; shifts the reading frame from proline 19.
Molecular consequence: frameshift variant.
Genome position (GRCh38, 1-based): chr7:66,081,846-66,081,847, CC deleted; deleting any 2 consecutive bases within chr7:66,081,844-66,081,847 gives the same sequence; the c. name uses the placement nearest the transcript's 3' end. VCF-style (leftmost placement, unchanged base first): chr7-66081843-ACC-A. GRCh37 (hg19) VCF-style: chr7-65546830-ACC-A.
Other names: c.56_57del, p.Pro19fs (NM_001024943.2, NM_001024944.2, NM_001024946.2); short protein forms P19fs.
Identifiers: ClinVar variation 4818329 (VCV004818329.1).